The following is an entry in ClinVar:

ClinVar aggregate classification (germline): Uncertain significance (1 of 4 stars; one submission).

Allele frequency attached by ClinVar (database versions not stated): gnomAD 0.00001 and 0.00002; gnomAD exomes 0.00001 and 0.00002; TOPMed 0.00001; ExAC 0.00002; 1000 Genomes Project 0.00020; 1000 Genomes Project 30x 0.00031.

Submission:

Labcorp Genetics (formerly Invitae), Labcorp
Classification: Uncertain significance. Last evaluated: 2025-10-13. Review status: criteria provided, single submitter. Criteria: Invitae Variant Classification Sherloc (09022015). Collection method: clinical testing. Allele origin: germline.
Comment: This sequence change replaces aspartic acid, which is acidic and polar, with asparagine, which is neutral and polar, at codon 917 of the SCN3A protein (p.Asp917Asn). This variant is present in population databases (rs200738468, gnomAD 0.01%). This variant has not been reported in the literature in individuals affected with SCN3A-related conditions. ClinVar contains an entry for this variant (Variation ID: 1007645). Invitae Evidence Modeling of protein sequence and biophysical properties (such as structural, functional, and spatial information, amino acid conservation, physicochemical variation, residue mobility, and thermodynamic stability) indicates that this missense variant is not expected to disrupt SCN3A protein function with a negative predictive value of 95%. In summary, the available evidence is currently insufficient to determine the role of this variant in disease. Therefore, it has been classified as a Variant of Uncertain Significance.

NM_006922.4(SCN3A):c.2749G>A (p.Asp917Asn)

Gene: SCN3A (sodium voltage-gated channel alpha subunit 3; minus strand). Cytogenetic location: 2q24.3.
Variant type: single nucleotide variant.
Coding change: c.2749G>A on transcript NM_006922.4 (MANE Select); coding-DNA position 2749, G replaced by A.
Protein change: p.Asp917Asn; replaces aspartic acid 917 with asparagine.
Molecular consequence: missense variant.
Genome position (GRCh38, 1-based): chr2:165,130,113, C>T on the plus strand (G>A on the coding strand, the complement: SCN3A is on the minus strand). VCF-style: chr2-165130113-C-T. GRCh37 (hg19) VCF-style: chr2-165986623-C-T.
Other names: c.2602G>A, p.Asp868Asn (NM_001081676.2, NM_001081677.2); short protein forms D868N, D917N.
Identifiers: ClinVar variation 1007645 (VCV001007645.7), dbSNP rs200738468, ClinGen allele CA1938904.
Genomic context (GRCh38, chr2:165,130,113, plus strand): 5'-ACACAATCAGGAAGGAGTGGAAGAAGTCGTTCATGTGCCACCGTGGGAGCGTACAGTCAT[C>T]ATTGATCTTGCAGACACATTCTTTGTAGCTCTTACCAAAGAGCTGCATGCCGACCACAGC-3'
Protein context (NP_008853.3, residues 907-927): SYKECVCKIN[Asp917Asn]DCTLPRWHMN